The following is an entry in ClinVar:

ClinVar aggregate classification (germline): Pathogenic/Likely pathogenic. Review status: criteria provided, multiple submitters, no conflicts (2 of 4 stars). 12 submissions from 12 submitters: Pathogenic (10); Likely pathogenic (1). 1 of the submissions does not count toward it. Last evaluated 2025-10-31.

Conditions:
Acyl-CoA dehydrogenase deficiency, glutaric acidemia type II.
Glutaric acidemia type 2C.
ETFDH-related disorder. Also called: ETFDH-related condition.
Glutaric acidemia iic, late-onset. Identifiers: MedGen C4016438.
Multiple acyl-CoA dehydrogenase deficiency (MADD). Also called: Glutaric Acidemia type 2; Glutaric acidemia type II; GA 2; Glutaric aciduria, type 2; ETHYLMALONIC-ADIPICACIDURIA; GA II. Identifiers: Orphanet 26791, MedGen C0268596, MONDO:0009282, OMIM 231680.

Allele frequency attached by ClinVar (database versions not stated): gnomAD exomes 0.00002 and 0.00004; TOPMed 0.00002; ExAC 0.00003; gnomAD 0.00003; ESP Exome Variant Server 0.00008.

Submissions (12):

Laboratorio de Genetica e Diagnostico Molecular, Hospital Israelita Albert Einstein
Classification: Pathogenic for Multiple acyl-CoA dehydrogenase deficiency. Last evaluated: 2025-10-31. Review status: criteria provided, single submitter. Criteria: ACMG Guidelines, 2015. Collection method: clinical testing. Allele origin: germline. Affected: yes.
Comment: ACMG classification criteria: PS3 supporting, PM2 supporting, PM3 very strong, PP3 supporting

Labcorp Genetics (formerly Invitae), Labcorp
Classification: Pathogenic for Multiple acyl-CoA dehydrogenase deficiency. Last evaluated: 2025-09-26. Review status: criteria provided, single submitter. Criteria: Invitae Variant Classification Sherloc (09022015). Collection method: clinical testing. Allele origin: germline.
Comment: This sequence change replaces proline, which is neutral and non-polar, with leucine, which is neutral and non-polar, at codon 483 of the ETFDH protein (p.Pro483Leu). This variant is present in population databases (rs377656387, gnomAD 0.004%). This missense change has been observed in individual(s) with riboflavin-responsive multiple acyl-CoA dehydrogenase deficiency (PMID: 17412732, 17584774, 24190796; internal data). In at least one individual the data is consistent with being in trans (on the opposite chromosome) from a pathogenic variant. It has also been observed to segregate with disease in related individuals. ClinVar contains an entry for this variant (Variation ID: 31602). Invitae Evidence Modeling of protein sequence and biophysical properties (such as structural, functional, and spatial information, amino acid conservation, physicochemical variation, residue mobility, and thermodynamic stability) indicates that this missense variant is not expected to disrupt ETFDH protein function with a negative predictive value of 80%. Experimental studies have shown that this missense change affects ETFDH function (PMID: 17584774, 22611163). For these reasons, this variant has been classified as Pathogenic.

Natera, Inc.
Classification: Pathogenic for Glutaric acidemia type 2C. Last evaluated: 2025-09-10. Review status: criteria provided, single submitter. Criteria: Natera Variant Classification Schema (03/2026). Collection method: clinical testing. Allele origin: germline.
Comment: The c.1448C>T variant in ETFDH is a missense variant predicted to cause substitution of proline to leucine at amino acid 483. This variant is rare in the general population with a frequency below the threshold expected for the associated phenotype(s). This variant has been observed in one or more individuals affected with the associated recessive disease, as either homozygous or compound heterozygous with a second variant (PMID: 38221620, 24357026). Additionally, this variant has been observed to segregate in affected family members (PMID: 38221620). Given the available evidence, this variant is classified as Pathogenic.

Baylor Genetics
Classification: Pathogenic for Multiple acyl-CoA dehydrogenase deficiency. Last evaluated: 2024-03-16. Review status: criteria provided, single submitter. Criteria: ACMG Guidelines, 2015. Collection method: clinical testing. Allele origin: unknown.

Revvity Omics, Revvity
Classification: Pathogenic for Multiple acyl-CoA dehydrogenase deficiency. Last evaluated: 2024-02-15. Review status: criteria provided, single submitter. Criteria: ACMG Guidelines, 2015. Collection method: clinical testing. Allele origin: germline.

Victorian Clinical Genetics Services, Murdoch Childrens Research Institute
Classification: Pathogenic for Multiple acyl-CoA dehydrogenase deficiency. Last evaluated: 2023-07-17. Review status: criteria provided, single submitter. Criteria: ACMG Guidelines, 2015. Collection method: clinical testing. Allele origin: germline. Inheritance: Autosomal recessive inheritance. Affected: yes.
Comment: Based on the classification scheme VCGS_Germline_v1.3.4, this variant is classified as Pathogenic. Following criteria are met: 0102 - Loss of function is a known mechanism of disease in this gene and is associated with multiple acyl-CoA dehydrogenase deficiency (MONDO:0009282). (I) 0106 - This gene is associated with autosomal recessive disease. (I) 0115 - Variants in this gene are known to have variable expressivity. Intrafamilial variability has been reported (OMIM). (I) 0200 - Variant is predicted to result in a missense amino acid change from proline to leucine. (I) 0251 - This variant is heterozygous. (I) 0304 - Variant is present in gnomAD <0.01 for a recessive condition (v2: 6 heterozygotes, 0 homozygotes). (SP) 0501 - Missense variant consistently predicted to be damaging by multiple in silico tools or highly conserved with a major amino acid change. (SP) 0604 - Variant is not located in an established domain, motif, hotspot or informative constraint region. (I) 0801 - This variant has strong previous evidence of pathogenicity in unrelated individuals. It has been reported in several compound heterozygotes and homozygotes with multiple acyl-CoA dehydrogenase deficiency (ClinVar, PMID: 31852447). (I) Legend: (SP) - Supporting pathogenic, (I) - Information, (SB) - Supporting benign

Blueprint Genetics
Classification: Pathogenic for ETFDH-related disorders. Last evaluated: 2023-02-24. Review status: criteria provided, single submitter. Criteria: ACMG Guidelines, 2015. Collection method: clinical testing. Allele origin: germline. Affected: yes. Observed: 4 variant alleles.

Greenwood Genetic Center Diagnostic Laboratories, Greenwood Genetic Center
Classification: Pathogenic for Multiple acyl-CoA dehydrogenase deficiency. Last evaluated: 2022-09-22. Review status: criteria provided, single submitter. Criteria: ACMG Guidelines, 2015. Collection method: clinical testing. Allele origin: germline. Affected: yes.
Comment: PS3 PM3 PM2 PM1 PP3

CeGaT Center for Human Genetics Tuebingen
Classification: Likely pathogenic. Last evaluated: 2022-03-01. Review status: criteria provided, single submitter. Criteria: CeGaT Center For Human Genetics Tuebingen Variant Classification Criteria Version 2. Collection method: clinical testing. Allele origin: germline. Affected: yes. Observed: 1 variant allele.
Comment: ETFDH: PM3:Strong, PM2, PS3:Supporting

CENTOGENE GmbH and LLC - Guiding Precision Medicine
Classification: Pathogenic for Acyl-CoA dehydrogenase deficiency, glutaric acidemia type II. Review status: criteria provided, single submitter. Criteria: ACMG Guidelines, 2015. Collection method: clinical testing. Allele origin: germline. Affected: yes.

Neuberg Centre For Genomic Medicine, NCGM
Classification: Pathogenic for Multiple acyl-CoA dehydrogenase deficiency. Review status: criteria provided, single submitter. Criteria: ACMG Guidelines, 2015. Collection method: clinical testing. Allele origin: germline. Inheritance: Autosomal recessive inheritance. Affected: yes.
Comment: The missense c.1448C>Tp.Pro483Leu variant in ETFDH gene has been reported previously in homozygous and compound heterozygous states in multiple individuals affected with glutaric acidemia IIA Sahai I, et al., 2014; Gempel K, et al.,2007; Olsen RK, et al.,2007. This variant has also been observed to segregate with disease. Experimental studies have shown that this missense change affects ETFDH function Cornelius N, et al., 2012. The p.Pro483Leu variant has been reported with allele frequency of 0.002% in gnomAD Exomes and is novel not in any individuals in 1000 Genomes. This variant has been reported to the ClinVar database as Likely Pathogenic / Pathogenic multiple submissions. The amino acid change p.Pro483Leu in ETFDH is predicted as conserved by GERP++ and PhyloP across 100 vertebrates. The amino acid Pro at position 483 is changed to a Leu changing protein sequence and it might alter its composition and physico-chemical properties. For these reasons, this variant has been classified as Pathogenic.

OMIM
Classification: Pathogenic for GLUTARIC ACIDEMIA IIC, LATE-ONSET. Last evaluated: 2007-08-01. Review status: no assertion criteria provided. Collection method: literature only. Allele origin: germline. Not counted in ClinVar's aggregate classification.

Literature cited by the submitters: PubMed 17412732 (cited by Labcorp Genetics (formerly Invitae), Labcorp and OMIM); PubMed 17584774 (cited by Labcorp Genetics (formerly Invitae), Labcorp); PubMed 24190796 (cited by Labcorp Genetics (formerly Invitae), Labcorp); PubMed 22611163 (cited by Labcorp Genetics (formerly Invitae), Labcorp); PubMed 38221620 (cited by Natera, Inc.); PubMed 24357026 (cited by Natera, Inc.); PubMed 31852447 (cited by Victorian Clinical Genetics Services, Murdoch Childrens Research Institute).

NM_004453.4(ETFDH):c.1448C>T (p.Pro483Leu)

Gene: ETFDH (electron transfer flavoprotein dehydrogenase; plus strand). Cytogenetic location: 4q32.1.
Variant type: single nucleotide variant.
Coding change: c.1448C>T on transcript NM_004453.4 (MANE Select); coding-DNA position 1448, C replaced by T.
Protein change: p.Pro483Leu; replaces proline 483 with leucine.
Molecular consequence: missense variant.
Genome position (GRCh38, 1-based): chr4:158,706,351, C>T. VCF-style: chr4-158706351-C-T. GRCh37 (hg19) VCF-style: chr4-159627503-C-T.
Other names: c.1307C>T, p.Pro436Leu (NM_001281737.2); c.1265C>T, p.Pro422Leu (NM_001281738.1); short protein forms P483L, P436L, P422L.
Identifiers: ClinVar variation 31602 (VCV000031602.54), dbSNP rs377656387, ClinGen allele CA129836.